The following is an entry in ClinVar:

ClinVar aggregate classification (germline): Pathogenic (1 of 4 stars; one submission).

Conditions:
Hereditary spastic paraplegia 11. Also called: Spastic Paraplegia 11; Spastic paraplegia, mental retardation and thin corpus callosum; SPASTIC PARAPLEGIA, AUTOSOMAL RECESSIVE, COMPLICATED, WITH THIN CORPUS CALLOSUM; SPASTIC PARAPLEGIA, AUTOSOMAL RECESSIVE, WITH MENTAL IMPAIRMENT AND THIN CORPUS CALLOSUM; Nakamura Osame syndrome; Autosomal recessive hereditary spastic paraplegia, mental impairment, and thin corpus callosum. Identifiers: Orphanet 2822, MedGen C1858479, MONDO:0011445, OMIM 604360.

Submission:

Labcorp Genetics (formerly Invitae), Labcorp
Classification: Pathogenic for Hereditary spastic paraplegia 11. Last evaluated: 2023-05-02. Review status: criteria provided, single submitter. Criteria: Invitae Variant Classification Sherloc (09022015). Collection method: clinical testing. Allele origin: germline.
Comment: This sequence change creates a premature translational stop signal (p.Gln341*) in the SPG11 gene. It is expected to result in an absent or disrupted protein product. Loss-of-function variants in SPG11 are known to be pathogenic (PMID: 19105190, 20110243, 22154821, 26556829). For these reasons, this variant has been classified as Pathogenic. This premature translational stop signal has been observed in individual(s) with SPG11-related conditions (PMID: 22246010). This variant is not present in population databases (gnomAD no frequency).

Literature cited by the submitters: PubMed 19105190; PubMed 20110243; PubMed 22154821; PubMed 26556829; PubMed 22246010.

NM_025137.4(SPG11):c.1021C>T (p.Gln341Ter)

Gene: SPG11 (SPG11 vesicle trafficking associated, spatacsin; minus strand). Cytogenetic location: 15q21.1.
Variant type: single nucleotide variant.
Coding change: c.1021C>T on transcript NM_025137.4 (MANE Select); coding-DNA position 1021, C replaced by T.
Protein change: p.Gln341Ter; replaces glutamine 341 with a stop codon.
Molecular consequence: nonsense.
Genome position (GRCh38, 1-based): chr15:44,651,926, G>A on the plus strand (C>T on the coding strand, the complement: SPG11 is on the minus strand). VCF-style: chr15-44651926-G-A. GRCh37 (hg19) VCF-style: chr15-44944124-G-A.
Other names: c.1021C>T, p.Gln341Ter (NM_001160227.2, NM_001411132.1); short protein forms Q341*.
Identifiers: ClinVar variation 2736198 (VCV002736198.3), dbSNP rs1555381616, ClinGen allele CA392236764.